The following is an entry in ClinVar:

ClinVar aggregate classification (germline): Uncertain significance (1 of 4 stars; one submission).

Submission:

Labcorp Genetics (formerly Invitae), Labcorp
Classification: Uncertain significance. Last evaluated: 2024-07-09. Review status: criteria provided, single submitter. Criteria: Invitae Variant Classification Sherloc (09022015). Collection method: clinical testing. Allele origin: germline.
Comment: This sequence change replaces phenylalanine, which is neutral and non-polar, with isoleucine, which is neutral and non-polar, at codon 1135 of the KIDINS220 protein (p.Phe1135Ile). This variant is not present in population databases (gnomAD no frequency). This variant has not been reported in the literature in individuals affected with KIDINS220-related conditions. An algorithm developed to predict the effect of missense changes on protein structure and function (PolyPhen-2) suggests that this variant is likely to be disruptive. In summary, the available evidence is currently insufficient to determine the role of this variant in disease. Therefore, it has been classified as a Variant of Uncertain Significance.

NM_020738.4(KIDINS220):c.3403T>A (p.Phe1135Ile)

Gene: KIDINS220 (kinase D interacting substrate 220; minus strand). Cytogenetic location: 2p25.1.
Variant type: single nucleotide variant.
Coding change: c.3403T>A on transcript NM_020738.4 (MANE Select); coding-DNA position 3403, T replaced by A.
Protein change: p.Phe1135Ile; replaces phenylalanine 1135 with isoleucine.
Molecular consequence: missense variant. On other transcripts: non-coding transcript variant (2).
Genome position (GRCh38, 1-based): chr2:8,750,123, A>T on the plus strand (T>A on the coding strand, the complement: KIDINS220 is on the minus strand). VCF-style: chr2-8750123-A-T. GRCh37 (hg19) VCF-style: chr2-8890253-A-T.
Other names: c.3406T>A, p.Phe1136Ile (NM_001348729.2, NM_001348731.2, NM_001348734.2 and 2 more transcripts); c.3403T>A, p.Phe1135Ile (NM_001348732.2, NM_001348735.2, NM_001348738.2 and 3 more transcripts); c.3277T>A, p.Phe1093Ile (NM_001348736.2); short protein forms F1135I, F1093I, F1136I.
Identifiers: ClinVar variation 3659003 (VCV003659003.2).